The following is an entry in ClinVar:

NM_000153.4(GALC):c.972del (p.Leu324_Met325insTer)

Gene: GALC (galactosylceramidase; minus strand). Cytogenetic location: 14q31.3.
Variant type: Deletion.
Coding change: c.972del on transcript NM_000153.4 (MANE Select); coding-DNA position 972, one base deleted (G; older notation c.972delG).
Protein change: p.Leu324_Met325insTer.
Molecular consequence: frameshift variant.
Genome position (GRCh38, 1-based): chr14:87,965,566, C deleted on the plus strand (G on the coding strand, the reverse complement: GALC is on the minus strand). VCF-style (leftmost placement, unchanged base first): chr14-87965565-TC-T. GRCh37 (hg19) VCF-style: chr14-88431909-TC-T.
Other names: c.903del, p.Leu301_Met302insTer (NM_001201401.2); c.894del, p.Leu298_Met299insTer (NM_001201402.2).
Identifiers: ClinVar variation 370842 (VCV000370842.10), dbSNP rs1057516808, ClinGen allele CA16041699.

ClinVar aggregate classification (germline): Pathogenic. Review status: criteria provided, single submitter (1 of 4 stars). 2 submissions from 2 submitters: Pathogenic (1). 1 of the submissions does not count toward it. Last evaluated 2018-11-30.

Conditions:
Galactosylceramide beta-galactosidase deficiency. Also called: Leukodystrophy, Globoid Cell; Krabbe Disease; GALACTOCEREBROSIDASE DEFICIENCY; GALC DEFICIENCY; GLOBOID CELL LEUKOENCEPHALOPATHY. Identifiers: Orphanet 487, MedGen C0023521, MONDO:0009499, OMIM 245200.

Submissions (2):

Labcorp Genetics (formerly Invitae), Labcorp
Classification: Pathogenic for Galactosylceramide beta-galactosidase deficiency. Last evaluated: 2018-11-30. Review status: criteria provided, single submitter. Criteria: Invitae Variant Classification Sherloc (09022015). Collection method: clinical testing. Allele origin: germline.
Comment: This sequence change creates a premature translational stop signal (p.Met325*) in the GALC gene. It is expected to result in an absent or disrupted protein product. This variant is not present in population databases (ExAC no frequency). This variant has not been reported in the literature in individuals with GALC-related conditions. ClinVar contains an entry for this variant (Variation ID: 370842). Loss-of-function variants in GALC are known to be pathogenic (PMID: 7437911, 9272171, 16607461). For these reasons, this variant has been classified as Pathogenic.

Counsyl
Classification: Likely pathogenic for Galactosylceramide beta-galactosidase deficiency. Last evaluated: 2016-04-25. Review status: no assertion criteria provided. Collection method: clinical testing. Allele origin: unknown. Not counted in ClinVar's aggregate classification.

Literature cited by the submitters: PubMed 7437911 (cited by Labcorp Genetics (formerly Invitae), Labcorp); PubMed 9272171 (cited by Labcorp Genetics (formerly Invitae), Labcorp); PubMed 16607461 (cited by Labcorp Genetics (formerly Invitae), Labcorp).